The following is an entry in ClinVar:

NM_001360.3(DHCR7):c.687C>G (p.Ile229Met)

Gene: DHCR7 (7-dehydrocholesterol reductase; minus strand). Cytogenetic location: 11q13.4.
Variant type: single nucleotide variant.
Coding change: c.687C>G on transcript NM_001360.3 (MANE Select); coding-DNA position 687, C replaced by G.
Protein change: p.Ile229Met; replaces isoleucine 229 with methionine.
Molecular consequence: missense variant.
Genome position (GRCh38, 1-based): chr11:71,439,023, G>C on the plus strand (C>G on the coding strand, the complement: DHCR7 is on the minus strand). VCF-style: chr11-71439023-G-C. GRCh37 (hg19) VCF-style: chr11-71150069-G-C.
Other names: c.687C>G, p.Ile229Met (NM_001163817.2); short protein forms I229M.
Identifiers: ClinVar variation 1005590 (VCV001005590.10), dbSNP rs267603172, ClinGen allele CA6162487.
Genomic context (GRCh38, chr11:71,439,023, plus strand): 5'-GGTCCAGGCGACGATCCCGGGGCGCCCATTGAAGAACAGCTTGAAGTCAAACCACTTCCC[G>C]ATCCGAGGGTTAAACTCGATGCCCATCATGTAGTTGTAAAAGAAATTGCCTGTGAATTTG-3'
Protein context (NP_001351.2, residues 219-239): YMMGIEFNPR[Ile229Met]GKWFDFKLFF

ClinVar aggregate classification (germline): Uncertain significance. Review status: criteria provided, multiple submitters, no conflicts (2 of 4 stars). 3 submissions from 3 submitters: Uncertain significance (2). 1 of the submissions does not count toward it. Last evaluated 2024-05-13.

Conditions:
Smith-Lemli-Opitz syndrome (SLOS). Also called: POLYDACTYLY, SEX REVERSAL, RENAL HYPOPLASIA, AND UNILOBAR LUNG; RSH SYNDROME; RUTLEDGE LETHAL MULTIPLE CONGENITAL ANOMALY SYNDROME; 7-Dehydrocholesterol reductase deficiency; LETHAL ACRODYSGENITAL SYNDROME. Identifiers: Orphanet 818, MedGen C0175694, MONDO:0010035, OMIM 270400.

gnomAD v4.1: 3 of 1,614,126 alleles (0.00019%); highest among the groups gnomAD compares: Admixed American, 0.005%; no homozygotes.

Submissions (3):

Fulgent Genetics
Classification: Uncertain significance for Smith-Lemli-Opitz syndrome. Last evaluated: 2024-05-13. Review status: criteria provided, single submitter. Criteria: ACMG Guidelines, 2015. Collection method: clinical testing. Allele origin: germline.

Labcorp Genetics (formerly Invitae), Labcorp
Classification: Uncertain significance for Smith-Lemli-Opitz syndrome. Last evaluated: 2021-08-31. Review status: criteria provided, single submitter. Criteria: Invitae Variant Classification Sherloc (09022015). Collection method: clinical testing. Allele origin: germline.
Comment: This sequence change replaces isoleucine with methionine at codon 229 of the DHCR7 protein (p.Ile229Met). The isoleucine residue is highly conserved and there is a small physicochemical difference between isoleucine and methionine. This variant is present in population databases (rs267603172, ExAC 0.03%). This variant has not been reported in the literature in individuals affected with DHCR7-related conditions. Algorithms developed to predict the effect of missense changes on protein structure and function are either unavailable or do not agree on the potential impact of this missense change (SIFT: "Deleterious"; PolyPhen-2: "Probably Damaging"; Align-GVGD: "Class C0"). In summary, the available evidence is currently insufficient to determine the role of this variant in disease. Therefore, it has been classified as a Variant of Uncertain Significance.

Natera, Inc.
Classification: Uncertain significance for Smith-Lemli-Opitz syndrome. Last evaluated: 2020-07-27. Review status: no assertion criteria provided. Collection method: clinical testing. Allele origin: germline. Not counted in ClinVar's aggregate classification.